The following is an entry in ClinVar:

ClinVar aggregate classification (germline): Benign/Likely benign. Review status: criteria provided, multiple submitters, no conflicts (2 of 4 stars). 3 submissions from 3 submitters: Benign (1); Likely benign (2). Last evaluated 2026-08-03.

Conditions:
Familial colorectal cancer type X. Identifiers: Orphanet 440437, MedGen C3896578, MONDO:0018604.

Submissions (3):

Myriad Genetics, Inc.
Classification: Benign for Familial colorectal cancer type X. Last evaluated: 2026-08-03. Review status: criteria provided, single submitter. Criteria: Myriad Autosomal Dominant, Autosomal Recessive and X-Linked Classification Criteria (2023). Collection method: clinical testing. Allele origin: unknown.
Comment: This variant is considered benign. This variant is a silent/synonymous amino acid change and it is not expected to impact splicing.

Labcorp Genetics (formerly Invitae), Labcorp
Classification: Likely benign. Last evaluated: 2024-12-06. Review status: criteria provided, single submitter. Criteria: Invitae Variant Classification Sherloc (09022015). Collection method: clinical testing. Allele origin: germline.

Ambry Genetics
Classification: Likely benign. Last evaluated: 2020-01-16. Review status: criteria provided, single submitter. Criteria: Ambry Variant Classification Scheme 2023. Collection method: clinical testing. Allele origin: germline.

NM_001023.4(RPS20):c.18C>G (p.Thr6=)

Gene: RPS20 (ribosomal protein S20; minus strand). Cytogenetic location: 8q12.1.
Variant type: single nucleotide variant.
Coding change: c.18C>G on transcript NM_001023.4 (MANE Select); coding-DNA position 18, C replaced by G.
Protein change: p.Thr6=; no amino-acid change (threonine 6 retained).
Molecular consequence: synonymous variant.
Genome position (GRCh38, 1-based): chr8:56,074,145, G>C on the plus strand (C>G on the coding strand, the complement: RPS20 is on the minus strand). VCF-style: chr8-56074145-G-C. GRCh37 (hg19) VCF-style: chr8-56986704-G-C.
Other names: c.18C>G, p.Thr6= (NM_001146227.3).
Identifiers: ClinVar variation 1782264 (VCV001782264.5), dbSNP rs11537561, ClinGen allele CA461101683.